The following is an entry in ClinVar:

ClinVar aggregate classification (germline): Uncertain significance. Review status: criteria provided, multiple submitters, no conflicts (2 of 4 stars). 2 submissions from 2 submitters: Uncertain significance (2). Last evaluated 2025-07-22.

Submissions (2):

Women's Health and Genetics/Laboratory Corporation of America, LabCorp
Classification: Uncertain significance. Last evaluated: 2025-07-22. Review status: criteria provided, single submitter. Criteria: LabCorp Variant Classification Summary - May 2015. Collection method: clinical testing. Allele origin: germline.
Comment: Variant summary: MME c.958-4_958-3delinsG alters a nucleotide located close to a canonical splice site and therefore could affect mRNA splicing, leading to a significantly altered protein sequence. Several computational tools predict a significant impact on normal splicing: Three predict the variant abolishes a 3' acceptor site. One predict the variant weakens a 3' acceptor site. However, these predictions have yet to be confirmed by functional studies. The variant was absent in 1606452 control chromosomes. The available data on variant occurrences in the general population are insufficient to allow any conclusion about variant significance. c.958-4_958-3delinsG has been observed in individual(s) affected with Charcot-Marie-Tooth disease, axonal, type 2T-AR (Senderek_2020). These report(s) do not provide unequivocal conclusions about association of the variant with Charcot-Marie-Tooth disease, axonal, type 2T-AR. To our knowledge, no experimental evidence demonstrating an impact on protein function has been reported. The following publication have been ascertained in the context of this evaluation (PMID: 33144514). ClinVar contains an entry for this variant (Variation ID: 1315192). Based on the evidence outlined above, the variant was classified as uncertain significance.

GeneDx
Classification: Uncertain significance. Last evaluated: 2020-02-14. Review status: criteria provided, single submitter. Criteria: GeneDx Variant Classification Process June 2021. Collection method: clinical testing. Allele origin: germline. Affected: yes.
Comment: Not observed in large population cohorts (Lek et al., 2016); In silico analysis supports a deleterious effect on splicing; Has not been previously published as pathogenic or benign to our knowledge; This variant is associated with the following publications: (PMID: 33144514)

Literature cited by the submitters: PubMed 33144514 (cited by Women's Health and Genetics/Laboratory Corporation of America, LabCorp).

NM_007289.4(MME):c.958-4_958-3delinsG

Gene: MME (membrane metalloendopeptidase; plus strand). Cytogenetic location: 3q25.2.
Variant type: Indel.
Coding change: c.958-4_958-3delinsG on transcript NM_007289.4 (MANE Select); 4 bases into the intron before coding-DNA position 958 through 3 bases into the intron before coding-DNA position 958, CC replaced by G.
Molecular consequence: intron variant.
Genome position (GRCh38, 1-based): chr3:155,141,987-155,141,988, CC replaced by G. VCF-style: chr3-155141987-CC-G. GRCh37 (hg19) VCF-style: chr3-154859776-CC-G.
Other names: c.958-4_958-3delinsG (NM_001354642.2, NM_000902.5, NM_007287.4 and 2 more transcripts).
Identifiers: ClinVar variation 1315192 (VCV001315192.3), dbSNP rs1172571307, ClinGen allele CA2573052103.